The following is an entry in ClinVar:

NM_145725.3(TRAF3):c.212G>A (p.Arg71His)

Gene: TRAF3 (TNF receptor associated factor 3; plus strand). Cytogenetic location: 14q32.32.
Variant type: single nucleotide variant.
Coding change: c.212G>A on transcript NM_145725.3 (MANE Select); coding-DNA position 212, G replaced by A.
Protein change: p.Arg71His; replaces arginine 71 with histidine.
Molecular consequence: missense variant.
Genome position (GRCh38, 1-based): chr14:102,870,413, G>A. VCF-style: chr14-102870413-G-A. GRCh37 (hg19) VCF-style: chr14-103336750-G-A.
Other names: c.212G>A, p.Arg71His (NM_001199427.2, NM_001385142.1, NM_001385143.1 and 2 more transcripts); short protein forms R71H.
Identifiers: ClinVar variation 1523878 (VCV001523878.6), dbSNP rs1888269338, ClinGen allele CA391069957.

ClinVar aggregate classification (germline): Uncertain significance (1 of 4 stars; one submission).

Conditions:
Immunodeficiency 132A. Also called: Herpes simplex encephalitis, susceptibility to, 3. Identifiers: Orphanet 1930, MedGen C3553868, MONDO:0013920, OMIM 614849.

Allele frequency attached by ClinVar (database versions not stated): gnomAD exomes below 0.00001.
gnomAD v4.1: 2 of 1,614,020 alleles (0.00012%); highest among the groups gnomAD compares: Non-Finnish European, 0.00017%; no homozygotes.

Submission:

Labcorp Genetics (formerly Invitae), Labcorp
Classification: Uncertain significance for Immunodeficiency 132A. Last evaluated: 2021-09-21. Review status: criteria provided, single submitter. Criteria: Invitae Variant Classification Sherloc (09022015). Collection method: clinical testing. Allele origin: germline.
Comment: In summary, the available evidence is currently insufficient to determine the role of this variant in disease. Therefore, it has been classified as a Variant of Uncertain Significance. Algorithms developed to predict the effect of missense changes on protein structure and function are either unavailable or do not agree on the potential impact of this missense change (SIFT: "Deleterious"; PolyPhen-2: "Probably Damaging"; Align-GVGD: "Class C0"). This variant has not been reported in the literature in individuals affected with TRAF3-related conditions. This variant is not present in population databases (ExAC no frequency). This sequence change replaces arginine with histidine at codon 71 of the TRAF3 protein (p.Arg71His). The arginine residue is highly conserved and there is a small physicochemical difference between arginine and histidine.